The following is an entry in ClinVar:

NM_004385.5(VCAN):c.7112C>G (p.Thr2371Ser)

Genes: VCAN (versican; plus strand), VCAN-AS1 (VCAN antisense RNA 1; minus strand). Cytogenetic location: 5q14.3.
Variant type: single nucleotide variant.
Coding change: c.7112C>G on transcript NM_004385.5 (MANE Select); coding-DNA position 7112, C replaced by G.
Protein change: p.Thr2371Ser; replaces threonine 2371 with serine.
Molecular consequence: missense variant. On other transcripts: intron variant (2).
Genome position (GRCh38, 1-based): chr5:83,540,115, C>G. VCF-style: chr5-83540115-C-G. GRCh37 (hg19) VCF-style: chr5-82835934-C-G.
Other names: c.4151C>G, p.Thr1384Ser (NM_001164097.2); c.4004-5422C>G (NM_001164098.2); c.1043-5422C>G (NM_001126336.3); short protein forms T1384S, T2371S.
Identifiers: ClinVar variation 863678 (VCV000863678.11), dbSNP rs531873083, ClinGen allele CA3333581.

ClinVar aggregate classification (germline): Uncertain significance. Review status: criteria provided, multiple submitters, no conflicts (2 of 4 stars). 2 submissions from 2 submitters: Uncertain significance (2). Last evaluated 2024-12-27.

Allele frequency attached by ClinVar (database versions not stated): gnomAD below 0.00001 and 0.00002; TOPMed below 0.00001; gnomAD exomes 0.00002 and 0.00004; ExAC 0.00006; 1000 Genomes Project 30x 0.00016; 1000 Genomes Project 0.00020.
gnomAD v4.1: 36 of 1,613,964 alleles (0.0022%); highest among the groups gnomAD compares: South Asian, 0.034%; no homozygotes.

Submissions (2):

Labcorp Genetics (formerly Invitae), Labcorp
Classification: Uncertain significance. Last evaluated: 2024-12-27. Review status: criteria provided, single submitter. Criteria: Invitae Variant Classification Sherloc (09022015). Collection method: clinical testing. Allele origin: germline.
Comment: This sequence change replaces threonine, which is neutral and polar, with serine, which is neutral and polar, at codon 2371 of the VCAN protein (p.Thr2371Ser). This variant is present in population databases (rs531873083, gnomAD 0.03%). This variant has not been reported in the literature in individuals affected with VCAN-related conditions. ClinVar contains an entry for this variant (Variation ID: 863678). An algorithm developed to predict the effect of missense changes on protein structure and function outputs the following: PolyPhen-2: "Benign". The serine amino acid residue is found in multiple mammalian species, which suggests that this missense change does not adversely affect protein function. In summary, the available evidence is currently insufficient to determine the role of this variant in disease. Therefore, it has been classified as a Variant of Uncertain Significance.

Blueprint Genetics
Classification: Uncertain significance. Last evaluated: 2024-10-04. Review status: criteria provided, single submitter. Criteria: ACMG Guidelines, 2015. Collection method: clinical testing. Allele origin: germline.